The following is an entry in ClinVar:

NM_001374736.1(DST):c.17680+6A>T

Gene: DST (dystonin; minus strand). Cytogenetic location: 6p12.1.
Variant type: single nucleotide variant.
Coding change: c.17680+6A>T on transcript NM_001374736.1 (MANE Select); 6 bases into the intron after coding-DNA position 17680, A replaced by T.
Molecular consequence: intron variant.
Genome position (GRCh38, 1-based): chr6:56,528,835, T>A on the plus strand (A>T on the coding strand, the complement: DST is on the minus strand). VCF-style: chr6-56528835-T-A. GRCh37 (hg19) VCF-style: chr6-56393633-T-A.
Other names: c.11323+6A>T (NM_001144769.2, NM_001144769.5); c.17680+6A>T (NM_001374722.1); c.17707+6A>T (NM_001374734.1); c.10909+6A>T (NM_001144770.2); c.10462+6A>T (NM_001374730.1); c.10789+6A>T (NM_001386100.1, NM_183380.4); c.16720+6A>T (NM_001374729.1); c.9811+6A>T (NM_015548.5).
Identifiers: ClinVar variation 2146304 (VCV002146304.3), dbSNP rs368963414, ClinGen allele CA3867397.
Genomic context (GRCh38, chr6:56,528,835, plus strand): 5'-CTAAAATATTTTGAAAACAATATAAAATGCTGACCACATGATGATTTGATTTGAAAGATA[T>A]CTCACCTGTGGTTTGTTTAAGTAGTTCTAAACCATTTAGTAAAGCCTGATCTACATTTTG-3'

ClinVar aggregate classification (germline): Conflicting classifications of pathogenicity. Review status: criteria provided, conflicting classifications (1 of 4 stars). 3 submissions from 3 submitters: Uncertain significance (2); Likely benign (1). Last evaluated 2025-08-14.

Conditions:
DST-related disorder. Also called: DST-related disorders; DST-related condition.
Epidermolysis bullosa simplex 3, localized or generalized intermediate, with BP230 deficiency (EBS3). Also called: Epidermolysis bullosa simplex, autosomal recessive 2; Epidermolysis bullosa simplex due to BP230 deficiency. Identifiers: Orphanet 412181, MedGen C3809470, MONDO:0014180, OMIM 615425.
Hereditary sensory and autonomic neuropathy type 6. Also called: HSAN VI; Neuropathy, hereditary sensory and autonomic, type VI. Identifiers: Orphanet 314381, MedGen C3539003, MONDO:0013839, OMIM 614653.
Inborn genetic diseases. Identifiers: MedGen C0950123, MeSH D030342.

Allele frequency attached by ClinVar (database versions not stated): ExAC 0.00006; ESP Exome Variant Server 0.00009.
gnomAD v4.1: 108 of 1,525,120 alleles (0.0071%); highest among the groups gnomAD compares: Non-Finnish European, 0.0094%; no homozygotes.

Submissions (3):

PreventionGenetics, part of Exact Sciences
Classification: Likely benign for DST-related condition. Last evaluated: 2025-08-14. Review status: criteria provided, single submitter. Criteria: ACMG Guidelines, 2015. Collection method: clinical testing. Allele origin: germline.
Comment: This variant is classified as likely benign based on ACMG/AMP sequence variant interpretation guidelines (Richards et al. 2015 PMID: 25741868, with internal and published modifications).

Ambry Genetics
Classification: Uncertain significance for Inborn genetic diseases. Last evaluated: 2023-10-23. Review status: criteria provided, single submitter. Criteria: Ambry Variant Classification Scheme 2023. Collection method: clinical testing. Allele origin: germline.
Comment: The c.11323+6A>T intronic alteration consists of a A to T substitution nucleotides after coding exon 61 in the DST gene. Based on insufficient or conflicting evidence, the clinical significance of this alteration remains unclear.

Labcorp Genetics (formerly Invitae), Labcorp
Classification: Uncertain significance for Epidermolysis bullosa simplex 3, localized or generalized intermediate, with BP230 deficiency; Hereditary sensory and autonomic neuropathy type 6. Last evaluated: 2022-02-18. Review status: criteria provided, single submitter. Criteria: Invitae Variant Classification Sherloc (09022015). Collection method: clinical testing. Allele origin: germline.
Comment: The DST gene has multiple clinically relevant transcripts. This variant occurs in alternate transcript NM_015548.4, and corresponds to NM_001723.5:c.*86682A>T in the primary transcript. This sequence change falls in intron 48 of the DST gene. It does not directly change the encoded amino acid sequence of the DST protein. It affects a nucleotide within the consensus splice site. This variant is present in population databases (rs368963414, gnomAD 0.005%). This variant has not been reported in the literature in individuals affected with DST-related conditions. Variants that disrupt the consensus splice site are a relatively common cause of aberrant splicing (PMID: 17576681, 9536098). Experimental studies and prediction algorithms are not available or were not evaluated, and the effect of this variant on mRNA splicing is currently unknown. In summary, the available evidence is currently insufficient to determine the role of this variant in disease. Therefore, it has been classified as a Variant of Uncertain Significance.

Literature cited by the submitters: PubMed 17576681 (cited by Labcorp Genetics (formerly Invitae), Labcorp); PubMed 9536098 (cited by Labcorp Genetics (formerly Invitae), Labcorp).